The following is an entry in ClinVar:

NM_170606.3(KMT2C):c.4580T>C (p.Val1527Ala)

Gene: KMT2C (lysine methyltransferase 2C; minus strand). Cytogenetic location: 7q36.1.
Variant type: single nucleotide variant.
Coding change: c.4580T>C on transcript NM_170606.3 (MANE Select); coding-DNA position 4580, T replaced by C.
Protein change: p.Val1527Ala; replaces valine 1527 with alanine.
Molecular consequence: missense variant.
Genome position (GRCh38, 1-based): chr7:152,194,089, A>G on the plus strand (T>C on the coding strand, the complement: KMT2C is on the minus strand). VCF-style: chr7-152194089-A-G. GRCh37 (hg19) VCF-style: chr7-151891174-A-G.
Other names: short protein forms V1527A.
Identifiers: ClinVar variation 3777491 (VCV003777491.1).

ClinVar aggregate classification (germline): Uncertain significance (1 of 4 stars; one submission).

Submission:

GeneDx
Classification: Uncertain significance. Last evaluated: 2024-10-13. Review status: criteria provided, single submitter. Criteria: GeneDx Variant Classification Process June 2021. Collection method: clinical testing. Allele origin: germline. Affected: yes.
Comment: Not observed at significant frequency in large population cohorts (gnomAD); In silico analysis supports that this missense variant has a deleterious effect on protein structure/function; Has not been previously published as pathogenic or benign to our knowledge